The following is an entry in ClinVar:

ClinVar aggregate classification (germline): Conflicting classifications of pathogenicity. Review status: criteria provided, conflicting classifications (1 of 4 stars). 2 submissions from 2 submitters: Uncertain significance (1); Likely benign (1). Last evaluated 2025-12-20.

Conditions:
Cardiovascular phenotype. Identifiers: MedGen CN230736.
Brugada syndrome. Also called: Sudden Unexplained Death Syndrome; Sudden Unexplained Nocturnal Death Syndrome (SUNDS); Sudden unexplained nocturnal death syndrome; Sudden unexpected nocturnal death syndrome. Identifiers: Orphanet 130, MedGen C1142166, MONDO:0015263.

Allele frequency attached by ClinVar (database versions not stated): gnomAD 0.00001; ExAC 0.00005.
gnomAD v4.1: 9 of 1,588,146 alleles (0.00057%); highest among the groups gnomAD compares: Admixed American, 0.015%; no homozygotes.

Submissions (2):

Labcorp Genetics (formerly Invitae), Labcorp
Classification: Uncertain significance for Brugada syndrome. Last evaluated: 2025-12-20. Review status: criteria provided, single submitter. Criteria: Invitae Variant Classification Sherloc (09022015). Collection method: clinical testing. Allele origin: germline.
Comment: This sequence change replaces aspartic acid, which is acidic and polar, with tyrosine, which is neutral and polar, at codon 132 of the CACNA2D1 protein (p.Asp132Tyr). This variant is present in population databases (rs749965891, gnomAD 0.02%). This variant has not been reported in the literature in individuals affected with CACNA2D1-related conditions. ClinVar contains an entry for this variant (Variation ID: 1364338). An algorithm developed to predict the effect of missense changes on protein structure and function (PolyPhen-2) suggests that this variant is likely to be tolerated. In summary, the available evidence is currently insufficient to determine the role of this variant in disease. Therefore, it has been classified as a Variant of Uncertain Significance.

Ambry Genetics
Classification: Likely benign for Cardiovascular phenotype. Last evaluated: 2025-08-11. Review status: criteria provided, single submitter. Criteria: Ambry Variant Classification Scheme 2023. Collection method: clinical testing. Allele origin: germline.

NM_000722.4(CACNA2D1):c.394G>T (p.Asp132Tyr)

Gene: CACNA2D1 (calcium voltage-gated channel auxiliary subunit alpha2delta 1; minus strand). Cytogenetic location: 7q21.11.
Variant type: single nucleotide variant.
Coding change: c.394G>T on transcript NM_000722.4 (MANE Select); coding-DNA position 394, G replaced by T.
Protein change: p.Asp132Tyr; replaces aspartic acid 132 with tyrosine.
Molecular consequence: missense variant.
Genome position (GRCh38, 1-based): chr7:82,136,637, C>A on the plus strand (G>T on the coding strand, the complement: CACNA2D1 is on the minus strand). VCF-style: chr7-82136637-C-A. GRCh37 (hg19) VCF-style: chr7-81765953-C-A.
Other names: c.394G>T, p.Asp132Tyr (NM_001302890.2, NM_001366867.1); c.394G>T (NM_000722.2); short protein forms D132Y.
Identifiers: ClinVar variation 1364338 (VCV001364338.8), dbSNP rs749965891, ClinGen allele CA4318379.